The following is an entry in ClinVar:

NM_015100.4(POGZ):c.3300T>G (p.Asn1100Lys)

Gene: POGZ (pogo transposable element derived with ZNF domain; minus strand). Cytogenetic location: 1q21.3.
Variant type: single nucleotide variant.
Coding change: c.3300T>G on transcript NM_015100.4 (MANE Select); coding-DNA position 3300, T replaced by G.
Protein change: p.Asn1100Lys; replaces asparagine 1100 with lysine.
Molecular consequence: missense variant.
Genome position (GRCh38, 1-based): chr1:151,405,735, A>C on the plus strand (T>G on the coding strand, the complement: POGZ is on the minus strand). VCF-style: chr1-151405735-A-C. GRCh37 (hg19) VCF-style: chr1-151378211-A-C.
Other names: c.3273T>G, p.Asn1091Lys (NM_001194937.2); c.3114T>G, p.Asn1038Lys (NM_001194938.2); c.3321T>G, p.Asn1107Lys (NM_001410860.1); c.3015T>G, p.Asn1005Lys (NM_145796.4); c.3141T>G, p.Asn1047Lys (NM_207171.2); short protein forms N1005K, N1038K, N1047K, N1091K, N1100K, N1107K.
Identifiers: ClinVar variation 4862144 (VCV004862144.1).

ClinVar aggregate classification (germline): Uncertain significance (1 of 4 stars; one submission).

Conditions:
Inborn genetic diseases. Identifiers: MedGen C0950123, MeSH D030342.

gnomAD v4.1: 1 of 1,614,122 alleles (0.000062%); highest among the groups gnomAD compares: African/African-American, 0.0013%; no homozygotes.

Submission:

Ambry Genetics
Classification: Uncertain significance for Inborn genetic diseases. Last evaluated: 2026-05-06. Review status: criteria provided, single submitter. Criteria: Ambry Variant Classification Scheme 2023. Collection method: clinical testing. Allele origin: germline.
Comment: The c.3300T>G (p.N1100K) alteration is located in exon 19 (coding exon 18) of the POGZ gene. This alteration results from a T to G substitution at nucleotide position 3300, causing the asparagine (N) at amino acid position 1100 to be replaced by a lysine (K). Based on data from gnomAD, the G allele has an overall frequency of 0.003% (1/31400) total alleles studied. The highest observed frequency was 0.012% (1/8712) of African alleles. Based on insufficient or conflicting evidence, the clinical significance of this alteration remains unclear.